The following is an entry in ClinVar:

NM_000059.4(BRCA2):c.4410A>C (p.Ile1470=)

Gene: BRCA2 (BRCA2 DNA repair associated; plus strand). Cytogenetic location: 13q13.1.
Variant type: single nucleotide variant.
Coding change: c.4410A>C on transcript NM_000059.4 (MANE Select); coding-DNA position 4410, A replaced by C.
Protein change: p.Ile1470=; no amino-acid change (isoleucine 1470 retained).
Molecular consequence: synonymous variant.
Genome position (GRCh38, 1-based): chr13:32,338,765, A>C. VCF-style: chr13-32338765-A-C. GRCh37 (hg19) VCF-style: chr13-32912902-A-C.
Identifiers: ClinVar variation 187580 (VCV000187580.21), dbSNP rs747516635, ClinGen allele CA020133.
Genomic context (GRCh38, chr13:32,338,765, plus strand): 5'-TGATCAGAAACCAGAAGAATTGCATAACTTTTCCTTAAATTCTGAATTACATTCTGACAT[A>C]AGAAAGAACAAAATGGACATTCTAAGTTATGAGGAAACAGACATAGTTAAACACAAAATA-3'
Protein context (NP_000050.3, residues 1460-1480): FSLNSELHSD[Ile1470=]RKNKMDILSY

ClinVar aggregate classification (germline): Likely benign. Review status: reviewed by expert panel (3 of 4 stars). 6 submissions from 6 submitters: Likely benign (1). 5 of the submissions do not count toward it. Last evaluated 2017-06-29.

Conditions:
Hereditary breast ovarian cancer syndrome. Also called: Hereditary breast and ovarian cancer; Hereditary breast and ovarian cancer syndrome; Breast and ovarian cancer; Hereditary breast and ovarian cancer syndrome (HBOC); Hereditary breast and/or ovarian cancer syndrome; BRCA1- and BRCA2-Associated Hereditary Breast and Ovarian Cancer. Identifiers: Orphanet 145, MedGen C0677776, MeSH D061325, MONDO:0003582. Disease mechanism: loss of function.
Hereditary cancer-predisposing syndrome. Also called: Hereditary Cancer Syndrome; Neoplastic Syndromes, Hereditary; Tumor predisposition; Hereditary neoplastic syndrome. Identifiers: Orphanet 140162, MedGen C0027672, MeSH D009386, MONDO:0015356.
BRCA2-related disorder. Also called: BRCA2-related condition; BRCA2-related disorders. Identifiers: MedGen CN239275.
Breast-ovarian cancer, familial, susceptibility to, 2 (BROVCA2). Also called: BRCA2 Hereditary Breast and Ovarian Cancer. Identifiers: Orphanet 145, MedGen C2675520, MONDO:0012933, OMIM 612555. Disease mechanism: loss of function.

Allele frequency attached by ClinVar (database versions not stated): gnomAD exomes 0.00002; ExAC 0.00003; gnomAD 0.00003 and 0.00004; TOPMed 0.00003.
gnomAD v4.1: 10 of 1,610,150 alleles (0.00062%); highest among the groups gnomAD compares: African/African-American, 0.012%; no homozygotes.

Submissions (6):

Evidence-based Network for the Interpretation of Germline Mutant Alleles (ENIGMA)
Classification: Likely benign for Breast-ovarian cancer, familial, susceptibility to, 2. Last evaluated: 2017-06-29. Review status: reviewed by expert panel. Criteria: ENIGMA BRCA1/2 Classification Criteria (2017-06-29). Collection method: curation. Allele origin: germline.
Comment: Synonymous substitution variant, with low bioinformatic likelihood to result in a splicing aberration (Splicing prior probability 0.02).

Labcorp Genetics (formerly Invitae), Labcorp
Classification: Likely benign for Hereditary breast ovarian cancer syndrome. Last evaluated: 2025-09-15. Review status: criteria provided, single submitter. Criteria: Invitae Variant Classification Sherloc (09022015). Collection method: clinical testing. Allele origin: germline. Not counted in ClinVar's aggregate classification.

GeneDx
Classification: Likely benign. Last evaluated: 2019-05-28. Review status: criteria provided, single submitter. Criteria: GeneDx Variant Classification Process June 2021. Collection method: clinical testing. Allele origin: germline. Affected: yes. Not counted in ClinVar's aggregate classification.

Women's Health and Genetics/Laboratory Corporation of America, LabCorp
Classification: Likely benign. Last evaluated: 2017-05-08. Review status: criteria provided, single submitter. Criteria: LabCorp Variant Classification Summary - May 2015. Collection method: clinical testing. Allele origin: germline. Not counted in ClinVar's aggregate classification.
Comment: Variant summary: The BRCA2 c.4410A>C (p.Ile1470Ile) variant involves the alteration of a non-conserved nucleotide causing a synonymous change and 3/5 splice prediction tools predict no significant impact on normal splicing. However, these predictions have yet to be confirmed by functional studies. This variant was found in 3/119356 control chromosomes at a frequency of 0.0000251, which does not exceed the estimated maximal expected allele frequency of a pathogenic BRCA2 variant (0.0007503). In addition, multiple clinical diagnostic laboratories classified this variant as likely benign. The variant of interest has not, to our knowledge, been reported in affected individuals via publications. Taken together, this variant is classified as "likely benign."

Ambry Genetics
Classification: Likely benign for Hereditary cancer-predisposing syndrome. Last evaluated: 2014-12-19. Review status: criteria provided, single submitter. Criteria: Ambry Variant Classification Scheme 2023. Collection method: clinical testing. Allele origin: germline. Not counted in ClinVar's aggregate classification.

PreventionGenetics, part of Exact Sciences
Classification: Likely benign for BRCA2-related condition. Last evaluated: 2019-06-17. Review status: no assertion criteria provided. Collection method: clinical testing. Allele origin: germline. Not counted in ClinVar's aggregate classification.
Comment: This variant is classified as likely benign based on ACMG/AMP sequence variant interpretation guidelines (Richards et al. 2015 PMID: 25741868, with internal and published modifications).